The following is an entry in ClinVar:

NM_000535.7(PMS2):c.817A>C (p.Ile273Leu)

Gene: PMS2 (PMS1 homolog 2, mismatch repair system component; minus strand). Cytogenetic location: 7p22.1.
Variant type: single nucleotide variant.
Coding change: c.817A>C on transcript NM_000535.7 (MANE Select); coding-DNA position 817, A replaced by C.
Protein change: p.Ile273Leu; replaces isoleucine 273 with leucine.
Molecular consequence: missense variant. On other transcripts: 5 prime UTR variant (2), non-coding transcript variant (1), intron variant (4).
Genome position (GRCh38, 1-based): chr7:5,995,620, T>G on the plus strand (A>C on the coding strand, the complement: PMS2 is on the minus strand). VCF-style: chr7-5995620-T-G. GRCh37 (hg19) VCF-style: chr7-6035251-T-G.
Other names: c.412A>C, p.Ile138Leu (NM_001322003.2, NM_001322004.2, NM_001322005.2 and 19 more transcripts); c.817A>C, p.Ile273Leu (NM_001322006.2, NM_001322014.2, NM_001406870.1 and 2 more transcripts); c.499A>C, p.Ile167Leu (NM_001322007.2, NM_001322008.2, NM_001406876.1 and 4 more transcripts); c.-117A>C (NM_001322011.2, NM_001322012.2); c.244A>C, p.Ile82Leu (NM_001322013.2, NM_001406909.1); c.508A>C, p.Ile170Leu (NM_001322015.2, NM_001406875.1, NM_001406877.1 and 6 more transcripts); c.1003A>C, p.Ile335Leu (NM_001406866.1); c.841A>C, p.Ile281Leu (NM_001406868.1); and 8 more; short protein forms I102L, I138L, I161L, I167L, I170L, I217L, I237L, I273L.
Identifiers: ClinVar variation 3343185 (VCV003343185.2).
Genomic context (GRCh38, chr7:5,995,620, plus strand): 5'-TGATAAAGAAAAACTGTCTGTCTGTTGAACTCCTTCCAACTCCATGCGTGCATTGTGAAA[T>G]GAAACCTGAGATGCTATTCAACATTAATATGGTAAGGGCAGGATTCCAGAGTGAAAGGGA-3'
Protein context (NP_000526.2, residues 263-283): LHNLFYISGF[Ile273Leu]SQCTHGVGRS

ClinVar aggregate classification (germline): Uncertain significance. Review status: criteria provided, multiple submitters, no conflicts (2 of 4 stars). 2 submissions from 2 submitters: Uncertain significance (2). Last evaluated 2026-07-06.

Conditions:
Hereditary cancer-predisposing syndrome. Also called: Tumor predisposition; Hereditary Cancer Syndrome; Hereditary neoplastic syndrome; Neoplastic Syndromes, Hereditary. Identifiers: Orphanet 140162, MedGen C0027672, MeSH D009386, MONDO:0015356.

Submissions (2):

Ambry Genetics
Classification: Uncertain significance for Hereditary cancer-predisposing syndrome. Last evaluated: 2026-07-06. Review status: criteria provided, single submitter. Criteria: Ambry Variant Classification Scheme 2023. Collection method: clinical testing. Allele origin: germline.
Comment: The p.I273L variant (also known as c.817A>C), located in coding exon 8 of the PMS2 gene, results from an A to C substitution at nucleotide position 817. The isoleucine at codon 273 is replaced by leucine, an amino acid with highly similar properties. This amino acid position is conserved. In addition, the in silico prediction for this alteration is inconclusive. Based on the available evidence, the clinical significance of this variant remains unclear.

GeneDx
Classification: Uncertain significance. Last evaluated: 2023-04-26. Review status: criteria provided, single submitter. Criteria: GeneDx Variant Classification Process June 2021. Collection method: clinical testing. Allele origin: germline. Affected: yes.
Comment: Not observed at significant frequency in large population cohorts (gnomAD); In silico analysis supports that this missense variant does not alter protein structure/function; Has not been previously published as pathogenic or benign to our knowledge; This variant is associated with the following publications: (PMID: 11574484)